The following is an entry in ClinVar:

ClinVar aggregate classification (germline): Pathogenic (1 of 4 stars; one submission).

Conditions:
Breast-ovarian cancer, familial, susceptibility to, 2 (BROVCA2). Also called: BRCA2 Hereditary Breast and Ovarian Cancer. Identifiers: Orphanet 145, MedGen C2675520, MONDO:0012933, OMIM 612555. Disease mechanism: loss of function.

Submission:

KCCC/NGS Laboratory, Kuwait Cancer Control Center
Classification: Pathogenic for Breast-ovarian cancer, familial, susceptibility to, 2. Last evaluated: 2024-04-03. Review status: criteria provided, single submitter. Criteria: ACMG Guidelines, 2015. Collection method: clinical testing. Allele origin: germline. Inheritance: Autosomal dominant inheritance. Affected: yes. Observed: 1 heterozygote.
Comment: A pathogenic variant is detected in the BRCA2 gene (c.1028_1047del). The deletion causes a frameshift, which changes a Lysine to an Arginine at codon 343, and creates a premature stop codon at position 6 of the new reading frame. This variant is predicted to cause loss of normal protein function through either protein truncation or nonsense-mediated mRNA decay. This a known mechanism for disease, as these types of variants are predicted to cause transcript degradation through nonsense mediated decay or produce a truncated protein. The variant of interest was not observed in controls (1000 Gs, ExAC or ESP). Therefore, taking all available lines of evidence into consideration, the variant of interest is classified as Pathogenic.

NM_000059.4(BRCA2):c.1028_1047del (p.Lys343fs)

Gene: BRCA2 (BRCA2 DNA repair associated; plus strand). Cytogenetic location: 13q13.1.
Variant type: Deletion.
Coding change: c.1028_1047del on transcript NM_000059.4 (MANE Select); coding-DNA positions 1028 to 1047, 20 bases deleted (AATCTAAAAACCAAGTGAAA).
Protein change: p.Lys343fs; shifts the reading frame from lysine 343.
Molecular consequence: frameshift variant. On other transcripts: non-coding transcript variant (1), intron variant (1).
Genome position (GRCh38, 1-based): chr13:32,332,506-32,332,525, AATCTAAAAACCAAGTGAAA deleted; deleting any 20 consecutive bases within chr13:32,332,500-32,332,525 gives the same sequence; the c. name uses the placement nearest the transcript's 3' end. VCF-style (leftmost placement, unchanged base first): chr13-32332499-TGTGAAAAATCTAAAAACCAA-T. GRCh37 (hg19) VCF-style: chr13-32906636-TGTGAAAAATCTAAAAACCAA-T.
Other names: c.1028_1047del20, p.Lys343Argfs (NM_000059.3); c.1028_1047del, p.Lys343fs (NM_001406719.1, NM_001406720.1, NM_001406721.1); c.424+1476_424+1495del (NM_001406722.1); short protein forms K343fs.
Identifiers: ClinVar variation 3066085 (VCV003066085.2), dbSNP rs2548519372, ClinGen allele CA2740098028.